The following is an entry in ClinVar:

ClinVar aggregate classification (germline): Uncertain significance. Review status: criteria provided, multiple submitters, no conflicts (2 of 4 stars). 4 submissions from 4 submitters: Uncertain significance (3). 1 of the submissions does not count toward it. Last evaluated 2024-08-27.

Conditions:
Neurofibromatosis, type 1 (NF1). Also called: Neurofibromatosis, type I; NEUROFIBROMATOSIS, TYPE I, SOMATIC; Peripheral type neurofibromatosis; VON RECKLINGHAUSEN DISEASE. Identifiers: Orphanet 636, MedGen C0027831, MONDO:0018975, OMIM 162200. Disease mechanism: loss of function.
Hereditary cancer-predisposing syndrome. Also called: Hereditary neoplastic syndrome; Tumor predisposition; Neoplastic Syndromes, Hereditary; Hereditary Cancer Syndrome. Identifiers: Orphanet 140162, MedGen C0027672, MeSH D009386, MONDO:0015356.
Cardiovascular phenotype. Identifiers: MedGen CN230736.

Submissions (4):

Labcorp Genetics (formerly Invitae), Labcorp
Classification: Uncertain significance for Neurofibromatosis, type 1. Last evaluated: 2024-08-27. Review status: criteria provided, single submitter. Criteria: Invitae Variant Classification Sherloc (09022015). Collection method: clinical testing. Allele origin: germline.
Comment: This sequence change replaces glutamine, which is neutral and polar, with proline, which is neutral and non-polar, at codon 1370 of the NF1 protein (p.Gln1370Pro). This variant is not present in population databases (gnomAD no frequency). This missense change has been observed in individual(s) with clinical features of neurofibromatosis type 1 (PMID: 28961165). ClinVar contains an entry for this variant (Variation ID: 431633). An algorithm developed to predict the effect of missense changes on protein structure and function (PolyPhen-2) suggests that this variant is likely to be disruptive. In summary, the available evidence is currently insufficient to determine the role of this variant in disease. Therefore, it has been classified as a Variant of Uncertain Significance.

Ambry Genetics
Classification: Uncertain significance for Cardiovascular phenotype; Hereditary cancer-predisposing syndrome. Last evaluated: 2022-03-30. Review status: criteria provided, single submitter. Criteria: Ambry Variant Classification Scheme 2023. Collection method: clinical testing. Allele origin: germline.
Comment: The p.Q1370P variant (also known as c.4109A>C), located in coding exon 30 of the NF1 gene, results from an A to C substitution at nucleotide position 4109. The glutamine at codon 1370 is replaced by proline, an amino acid with similar properties. This variant has been reported in an individual with a clinical suspicion of neurofibromatosis type 1 (NF1) (Bonatti F et al. Int J Mol Sci, 2017 Sep;18:). This amino acid position is highly conserved in available vertebrate species. In addition, this alteration is predicted to be deleterious by in silico analysis. Since supporting evidence is limited at this time, the clinical significance of this alteration remains unclear.

Genome-Nilou Lab
Classification: Uncertain significance for Neurofibromatosis, type 1. Last evaluated: 2022-03-15. Review status: criteria provided, single submitter. Criteria: ACMG Guidelines, 2015. Collection method: clinical testing. Allele origin: germline. Affected: no.

Medical Genetics, University of Parma
Classification: Uncertain significance for Neurofibromatosis type 1. Last evaluated: 2017-02-02. Review status: no assertion criteria provided. Collection method: clinical testing. Allele origin: germline. Affected: yes. Not counted in ClinVar's aggregate classification.

Literature cited by the submitters: PubMed 28961165 (cited by Labcorp Genetics (formerly Invitae), Labcorp).

NM_001042492.3(NF1):c.4109A>C (p.Gln1370Pro)

Gene: NF1 (neurofibromin 1; plus strand). Cytogenetic location: 17q11.2.
Variant type: single nucleotide variant.
Coding change: c.4109A>C on transcript NM_001042492.3 (MANE Select); coding-DNA position 4109, A replaced by C.
Protein change: p.Gln1370Pro; replaces glutamine 1370 with proline.
Molecular consequence: missense variant.
Genome position (GRCh38, 1-based): chr17:31,249,118, A>C. VCF-style: chr17-31249118-A-C. GRCh37 (hg19) VCF-style: chr17-29576136-A-C.
Other names: c.4109A>C, p.Gln1370Pro (NM_000267.4); short protein forms Q1370P.
Identifiers: ClinVar variation 431633 (VCV000431633.13), dbSNP rs1135402853, ClinGen allele CA398995105.
Genomic context (GRCh38, chr17:31,249,118, plus strand): 5'-TCATCAGTTCCTCCTCAGAATTCCCCCCTCAACTTCGAAGTGTGTGCCACTGTTTATACC[A>C]GGTATGCTTACAGTTAGAGATTACCATTATTAATCTAAAGTTAAATTATGAAGAATGCTT-3'
Protein context (NP_001035957.1, residues 1360-1380): QLRSVCHCLY[Gln1370Pro]ATCHSLLNKA